The following is an entry in ClinVar:

ClinVar aggregate classification (germline): Pathogenic/Likely pathogenic. Review status: criteria provided, multiple submitters, no conflicts (2 of 4 stars). 2 submissions from 2 submitters: Pathogenic (1); Likely pathogenic (1). Last evaluated 2023-06-14.

Conditions:
Hereditary diffuse gastric adenocarcinoma (HDGC). Also called: DIFFUSE GASTRIC AND LOBULAR BREAST CANCER SYNDROME. Identifiers: Orphanet 26106, MedGen C1708349, MONDO:0007648, OMIM 137215.

Submissions (2):

Myriad Genetics, Inc.
Classification: Pathogenic for Hereditary diffuse gastric adenocarcinoma. Last evaluated: 2023-06-14. Review status: criteria provided, single submitter. Criteria: Myriad Autosomal Dominant, Autosomal Recessive and X-Linked Classification Criteria (2023). Collection method: clinical testing. Allele origin: unknown.
Comment: This variant is considered pathogenic. This variant creates a frameshift predicted to result in premature protein truncation.

European Reference Network on Genetic Tumour Risk Syndromes (ERN-GENTURIS), i3s - Instituto de Investigação e Inovação em Saúde, University of Porto
Classification: Likely pathogenic for Hereditary diffuse gastric adenocarcinoma. Last evaluated: 2022-08-01. Review status: criteria provided, single submitter. Criteria: Lee et al. (Hum Mutat. 2018). Collection method: clinical testing. Allele origin: germline. Inheritance: Autosomal dominant inheritance. Affected: no. Study: ERN GENTURIS.
Comment: PVS1; PM2 (PMID: 30311375)

Literature cited by the submitters: PubMed 36436516 (cited by European Reference Network on Genetic Tumour Risk Syndromes (ERN-GENTURIS), i3s - Instituto de Investigação e Inovação em Saúde, University of Porto).

NM_004360.5(CDH1):c.1795del (p.Thr599fs)

Gene: CDH1 (cadherin 1; plus strand). Cytogenetic location: 16q22.1.
Variant type: Deletion.
Coding change: c.1795del on transcript NM_004360.5 (MANE Select); coding-DNA position 1795, one base deleted (A; older notation c.1795delA).
Protein change: p.Thr599fs; shifts the reading frame from threonine 599.
Molecular consequence: frameshift variant. On other transcripts: 5 prime UTR variant (1).
Genome position (GRCh38, 1-based): chr16:68,822,084, A deleted; the last of 2 consecutive A bases (chr16:68,822,083-68,822,084); deleting either gives the same sequence. VCF-style (leftmost placement, unchanged base first): chr16-68822082-GA-G. GRCh37 (hg19) VCF-style: chr16-68855985-GA-G.
Other names: c.1612del, p.Thr538fs (NM_001317184.2); c.247del, p.Thr83fs (NM_001317185.2); c.-171del (NM_001317186.2); short protein forms T538fs, T599fs, T83fs.
Identifiers: ClinVar variation 2502980 (VCV002502980.3), dbSNP rs2543942324, ClinGen allele CA2580612877.